The following is an entry in ClinVar:

NM_000059.4(BRCA2):c.7057G>C (p.Gly2353Arg)

Gene: BRCA2 (BRCA2 DNA repair associated; plus strand). Cytogenetic location: 13q13.1.
Variant type: single nucleotide variant.
Coding change: c.7057G>C on transcript NM_000059.4 (MANE Select); coding-DNA position 7057, G replaced by C.
Protein change: p.Gly2353Arg; replaces glycine 2353 with arginine.
Molecular consequence: missense variant.
Genome position (GRCh38, 1-based): chr13:32,354,910, G>C. VCF-style: chr13-32354910-G-C. GRCh37 (hg19) VCF-style: chr13-32929047-G-C.
Other names: p.G2353R:GGT>CGT; 7285G>C; short protein forms G2353R.
Identifiers: ClinVar variation 52260 (VCV000052260.41), dbSNP rs80358935, ClinGen allele CA024818.
Genomic context (GRCh38, chr13:32,354,910, plus strand): 5'-CCCCATTGCAGCACAACTAAGGAACGTCAAGAGATACAGAATCCAAATTTTACCGCACCT[G>C]GTCAAGAATTTCTGTCTAAATCTCATTTGTATGAACATCTGACTTTGGAAAAATCTTCAA-3'
Protein context (NP_000050.3, residues 2343-2363): EIQNPNFTAP[Gly2353Arg]QEFLSKSHLY

ClinVar aggregate classification (germline): Benign. Review status: reviewed by expert panel (3 of 4 stars). 26 submissions from 25 submitters: Benign (1). 25 of the submissions do not count toward it. Last evaluated 2019-06-18.

Conditions:
Breast and/or ovarian cancer. Identifiers: MedGen CN221562.
Hereditary breast ovarian cancer syndrome. Also called: Hereditary breast and ovarian cancer syndrome; Hereditary breast and ovarian cancer; Hereditary breast and ovarian cancer syndrome (HBOC); Breast and ovarian cancer; Hereditary breast and/or ovarian cancer syndrome; BRCA1- and BRCA2-Associated Hereditary Breast and Ovarian Cancer. Identifiers: Orphanet 145, MedGen C0677776, MeSH D061325, MONDO:0003582. Disease mechanism: loss of function.
Fanconi anemia complementation group D1. Also called: BRCA2-Related Fanconi Anemia. Identifiers: Orphanet 319462, MedGen C1838457, MONDO:0011584, OMIM 605724.
Hereditary cancer-predisposing syndrome. Also called: Neoplastic Syndromes, Hereditary; Tumor predisposition; Hereditary neoplastic syndrome; Hereditary Cancer Syndrome. Identifiers: Orphanet 140162, MedGen C0027672, MeSH D009386, MONDO:0015356.
Breast-ovarian cancer, familial, susceptibility to, 2 (BROVCA2). Also called: BRCA2 Hereditary Breast and Ovarian Cancer. Identifiers: Orphanet 145, MedGen C2675520, MONDO:0012933, OMIM 612555. Disease mechanism: loss of function.

Allele frequency attached by ClinVar (database versions not stated): gnomAD 0.00005 and 0.00006; gnomAD exomes 0.00005 and 0.00008; ExAC 0.00006; ESP Exome Variant Server 0.00008; TOPMed 0.00008.

Submissions 1 to 17 of 26:

Evidence-based Network for the Interpretation of Germline Mutant Alleles (ENIGMA)
Classification: Benign for Breast-ovarian cancer, familial, susceptibility to, 2. Last evaluated: 2019-06-18. Review status: reviewed by expert panel. Criteria: ENIGMA BRCA1/2 Classification Criteria (2017-06-29). Collection method: curation. Allele origin: germline.
Comment: IARC class based on posterior probability from multifactorial likelihood analysis, thresholds for class as per Plon et al. 2008 (PMID: 18951446). Class 1 based on posterior probability = 0.000782

Labcorp Genetics (formerly Invitae), Labcorp
Classification: Benign for Hereditary breast ovarian cancer syndrome. Last evaluated: 2026-02-04. Review status: criteria provided, single submitter. Criteria: Invitae Variant Classification Sherloc (09022015). Collection method: clinical testing. Allele origin: germline. Not counted in ClinVar's aggregate classification.

Center for Genomic Medicine, Rigshospitalet, Copenhagen University Hospital
Classification: Likely benign. Last evaluated: 2025-12-29. Review status: criteria provided, single submitter. Criteria: ACMG Guidelines, 2015. Collection method: clinical testing. Allele origin: germline. Not counted in ClinVar's aggregate classification.

Quest Diagnostics Nichols Institute San Juan Capistrano
Classification: Likely benign. Last evaluated: 2025-10-31. Review status: criteria provided, single submitter. Criteria: Quest Diagnostics criteria. Collection method: clinical testing. Allele origin: unknown. Not counted in ClinVar's aggregate classification.

Mayo Clinic Laboratories, Mayo Clinic
Classification: Benign. Last evaluated: 2024-12-13. Review status: criteria provided, single submitter. Criteria: ACMG Guidelines, 2015. Collection method: clinical testing. Allele origin: germline. Observed: 3 variant alleles. Not counted in ClinVar's aggregate classification.
Comment: BS1_supporting, BS3, BP1_strong

CHEO Genetics Diagnostic Laboratory, Children's Hospital of Eastern Ontario
Classification: Likely benign for Breast and/or ovarian cancer. Last evaluated: 2021-03-09. Review status: criteria provided, single submitter. Criteria: ACMG Guidelines, 2015. Collection method: clinical testing. Allele origin: germline. Not counted in ClinVar's aggregate classification.

Sema4
Classification: Likely benign for Hereditary cancer-predisposing syndrome. Last evaluated: 2021-01-29. Review status: criteria provided, single submitter. Criteria: Sema4 Curation Guidelines. Collection method: curation. Allele origin: germline. Not counted in ClinVar's aggregate classification.

GeneDx
Classification: Likely benign. Last evaluated: 2020-08-31. Review status: criteria provided, single submitter. Criteria: GeneDx Variant Classification Process June 2021. Collection method: clinical testing. Allele origin: germline. Affected: yes. Not counted in ClinVar's aggregate classification.
Comment: Not observed at a significant frequency in large population cohorts (Lek et al., 2016) This variant is associated with the following publications: (PMID: 29988080, 28678401, 22476429, 22678057, 10923033, 28283652, 28301460, 28263838, 21305653, 18403564, 22711857, 15026808, 20104584, 21952622, 21520273, 21671020, 21990134, 20127978, 24323938, 24728327)

Ambry Genetics
Classification: Likely benign for Hereditary cancer-predisposing syndrome. Last evaluated: 2018-08-20. Review status: criteria provided, single submitter. Criteria: Ambry Variant Classification Scheme 2023. Collection method: clinical testing. Allele origin: germline. Not counted in ClinVar's aggregate classification.

Genetic Services Laboratory, University of Chicago
Classification: Uncertain significance. Last evaluated: 2018-03-16. Review status: criteria provided, single submitter. Criteria: ACMG Guidelines, 2015. Collection method: clinical testing. Allele origin: germline. Affected: no. Not counted in ClinVar's aggregate classification.

Illumina Laboratory Services, Illumina
Classification: Likely benign for Fanconi anemia complementation group D1. Last evaluated: 2017-04-27. Review status: criteria provided, single submitter. Criteria: ICSL Variant Classification Criteria 13 December 2019. Collection method: clinical testing. Allele origin: germline. Not counted in ClinVar's aggregate classification.
Comment: This variant was observed as part of a predisposition screen in an ostensibly healthy population. A literature search was performed for the gene, cDNA change, and amino acid change (where applicable). No publications were found based on this search. Allele frequency data from public databases allowed determination this variant is unlikely to cause disease. Therefore, this variant is classified as likely benign.

Illumina Laboratory Services, Illumina
Classification: Likely benign for Breast-ovarian cancer, familial, susceptibility to, 2. Last evaluated: 2017-04-27. Review status: criteria provided, single submitter. Criteria: ICSL Variant Classification Criteria 13 December 2019. Collection method: clinical testing. Allele origin: germline. Not counted in ClinVar's aggregate classification.
Comment: This variant was observed as part of a predisposition screen in an ostensibly healthy population. A literature search was performed for the gene, cDNA change, and amino acid change (where applicable). Publications were found based on this search. The evidence from the literature, in combination with allele frequency data from public databases where available, was sufficient to determine this variant is unlikely to cause disease. Therefore, this variant is classified as likely benign.

Women's Health and Genetics/Laboratory Corporation of America, LabCorp
Classification: Likely benign. Last evaluated: 2016-11-14. Review status: criteria provided, single submitter. Criteria: LabCorp Variant Classification Summary - May 2015. Collection method: clinical testing. Allele origin: germline. Not counted in ClinVar's aggregate classification.
Comment: Variant summary: The BRCA2 c.7057G>C (p.Gly2353Arg) variant involves the alteration of a conserved nucleotide. 3/4 in silico tools predict a damaging outcome for this substitution (SNPs&GO not captured due to low reliability index). This variant was found in 8/122392 control chromosomes at a frequency of 0.0000654, which does not exceed the estimated maximal expected allele frequency of a pathogenic BRCA2 variant (0.0007503). The variant was found in HBOC spectrum patients however, without strong evidence for pathogenicity. In fact, the variant was observed in several patients to co-occur with (potentially) pathogenic BRCA1 and BRCA2 variants such as BRCA1 c.3193_3194insG (p.Asp1065?fs); BRCA2 c.4478_4481delAAAG (p.Glu1493_Ser1494?fs); BRCA2 c.476-2A>G; BRCA1 c.IVS5+1G>A (c.212+1G>A) BRCA1 c.3612delA (p.Ala1206ProfsX4), BRCA1 c.2346dupT indicating neutrality. Furthermore, Lindor_HM_2012 reviewed a multifactorial probability based model and calculated, odds in favor of causality was 0.03 and posterior probability of being deleterious 6.12104 and classified the variant as IARC Class I (Neutral) variant. Additionally, Alsop_2012 reports LOH of the variant within a breast tumor. Moreover, several clinical diagnostic laboratories classify variant as Benign/Likely benign via ClinVar. Considering all evidence, the variant was classified as Likely Benign.

Laboratory for Molecular Medicine, Mass General Brigham Personalized Medicine
Classification: Uncertain significance. Last evaluated: 2016-03-28. Review status: criteria provided, single submitter. Criteria: LMM Criteria. Collection method: clinical testing. Allele origin: germline. Not counted in ClinVar's aggregate classification.
Comment: Variant identified in a genome or exome case(s) and assessed due to predicted null impact of the variant or pathogenic assertions in the literature or databases. Disclaimer: This variant has not undergone full assessment. The following are preliminary notes: Clinvar: 3 labs classify as LB/Ben, 2 as VUS; ExAC: 5/66708 European chromosomes

Color Diagnostics, LLC DBA Color Health
Classification: Likely benign for Hereditary cancer-predisposing syndrome. Last evaluated: 2016-03-02. Review status: criteria provided, single submitter. Criteria: ACMG Guidelines, 2015. Collection method: clinical testing. Allele origin: germline. Not counted in ClinVar's aggregate classification.

Department of Medical and Surgical Sciences, University of Bologna
Classification: Benign for Breast-ovarian cancer, familial, susceptibility to, 2. Last evaluated: 2023-09-01. Review status: no assertion criteria provided. Collection method: clinical testing. Allele origin: germline. Affected: yes. Not counted in ClinVar's aggregate classification.
Comment: BS1(Supporting)+BS3(Strong)+BP1(Strong)+BP5(Very Strong) according to ACMG/AMP classification guidelines specified for BRCA1 & BRCA2 (Classification Criteria V1.0.0 2023-09-08) (PMID: 38160042)

Pathway Genomics
Classification: Benign for Breast-ovarian cancer, familial 2. Last evaluated: 2014-07-24. Review status: no assertion criteria provided. Collection method: clinical testing. Allele origin: germline. Not counted in ClinVar's aggregate classification.